The following is an entry in ClinVar:

ClinVar aggregate classification (germline): Conflicting classifications of pathogenicity. Review status: criteria provided, conflicting classifications (1 of 4 stars). 7 submissions from 7 submitters: Uncertain significance (1); Benign (1); Likely benign (5). Last evaluated 2026-02-01.

Conditions:
Collagen 6-related myopathy. Identifiers: MedGen CN117976, MONDO:0100225.
Bethlem myopathy 1A. Also called: Bethlem myopathy 1; Bethlem Muscular Dystrophy; MYOPATHY, BENIGN CONGENITAL, WITH CONTRACTURES. Identifiers: Orphanet 610, MedGen CN029274, MONDO:0024530, OMIM 158810.

Allele frequency attached by ClinVar (database versions not stated): gnomAD exomes 0.00038 and 0.00061; gnomAD 0.00040 and 0.00043; ExAC 0.00041; TOPMed 0.00045; ESP Exome Variant Server 0.00069.
gnomAD v4.1: 934 of 1,614,064 alleles (0.058%); highest among the groups gnomAD compares: Non-Finnish European, 0.073%; no homozygotes.

Submissions (7):

Labcorp Genetics (formerly Invitae), Labcorp
Classification: Likely benign for Bethlem myopathy 1A. Last evaluated: 2026-02-01. Review status: criteria provided, single submitter. Criteria: Invitae Variant Classification Sherloc (09022015). Collection method: clinical testing. Allele origin: germline.

CeGaT Center for Human Genetics Tuebingen
Classification: Likely benign. Last evaluated: 2026-01-01. Review status: criteria provided, single submitter. Criteria: CeGaT Center For Human Genetics Tuebingen Variant Classification Criteria Version 2. Collection method: clinical testing. Allele origin: germline. Affected: yes. Observed: 3 variant alleles.
Comment: COL6A3: BP4, BP7

Women's Health and Genetics/Laboratory Corporation of America, LabCorp
Classification: Likely benign. Last evaluated: 2025-07-24. Review status: criteria provided, single submitter. Criteria: LabCorp Variant Classification Summary - May 2015. Collection method: clinical testing. Allele origin: germline.

Blueprint Genetics
Classification: Likely benign. Last evaluated: 2024-01-16. Review status: criteria provided, single submitter. Criteria: ACMG Guidelines, 2015. Collection method: clinical testing. Allele origin: germline.

Illumina Laboratory Services, Illumina
Classification: Benign for Collagen VI-related myopathy. Last evaluated: 2018-01-12. Review status: criteria provided, single submitter. Criteria: ICSL Variant Classification Criteria 13 December 2019. Collection method: clinical testing. Allele origin: germline.
Comment: This variant was observed in the ICSL laboratory as part of a predisposition screen in an ostensibly healthy population. It had not been previously curated by ICSL or reported in the Human Gene Mutation Database (HGMD: prior to June 1st, 2018), and was therefore a candidate for classification through an automated scoring system. Utilizing variant allele frequency, disease prevalence and penetrance estimates, and inheritance mode, an automated score was calculated to assess if this variant is too frequent to cause the disease. Based on the score and internal cut-off values, a variant classified as benign is not then subjected to further curation. The score for this variant resulted in a classification of benign for this disease.

GeneDx
Classification: Likely benign. Last evaluated: 2016-12-16. Review status: criteria provided, single submitter. Criteria: GeneDx Variant Classification (06012015). Collection method: clinical testing. Allele origin: germline. Affected: yes.
Comment: This variant is considered likely benign or benign based on one or more of the following criteria: it is a conservative change, it occurs at a poorly conserved position in the protein, it is predicted to be benign by multiple in silico algorithms, and/or has population frequency not consistent with disease.

Eurofins Ntd Llc (ga)
Classification: Uncertain significance. Last evaluated: 2016-08-08. Review status: criteria provided, single submitter. Criteria: EGL Classification Definitions 2015. Collection method: clinical testing. Allele origin: germline. Observed: 4 variant alleles, 4 heterozygotes.

NM_004369.4(COL6A3):c.786C>T (p.Leu262=)

Gene: COL6A3 (collagen type VI alpha 3 chain; minus strand). Cytogenetic location: 2q37.3.
Variant type: single nucleotide variant.
Coding change: c.786C>T on transcript NM_004369.4 (MANE Select); coding-DNA position 786, C replaced by T.
Protein change: p.Leu262=; no amino-acid change (leucine 262 retained).
Molecular consequence: synonymous variant. On other transcripts: intron variant (2).
Genome position (GRCh38, 1-based): chr2:237,388,108, G>A on the plus strand (C>T on the coding strand, the complement: COL6A3 is on the minus strand). VCF-style: chr2-237388108-G-A. GRCh37 (hg19) VCF-style: chr2-238296751-G-A.
Other names: c.168C>T, p.Leu56= (NM_057165.5, NM_057167.4); c.92-6609C>T (NM_057166.5, NM_057164.5).
Identifiers: ClinVar variation 290161 (VCV000290161.42), dbSNP rs111481402, ClinGen allele CA2189776.